The following is an entry in ClinVar:

NM_002103.5(GYS1):c.1793G>A (p.Trp598Ter)

Gene: GYS1 (glycogen synthase 1; minus strand). Cytogenetic location: 19q13.33.
Variant type: single nucleotide variant.
Coding change: c.1793G>A on transcript NM_002103.5 (MANE Select); coding-DNA position 1793, G replaced by A.
Protein change: p.Trp598Ter; replaces tryptophan 598 with a stop codon.
Molecular consequence: nonsense. On other transcripts: non-coding transcript variant (1).
Genome position (GRCh38, 1-based): chr19:48,970,562, C>T on the plus strand (G>A on the coding strand, the complement: GYS1 is on the minus strand). VCF-style: chr19-48970562-C-T. GRCh37 (hg19) VCF-style: chr19-49473819-C-T.
Other names: c.1601G>A, p.Trp534Ter (NM_001161587.2); short protein forms W534*, W598*.
Identifiers: ClinVar variation 4798670 (VCV004798670.1).
Genomic context (GRCh38, chr19:48,970,562, plus strand): 5'-AGCTGCTGATTTGCCAGGAGAGGATAGGAAAGTGGGGGTCCTACCCGGCCTAGGTATTTC[C>T]AGTCCAGAAGGTCGGAGAGGCGCTCCGTGCGGTTCCGCTGGATGATACGCTGCCGCCGGC-3'

ClinVar aggregate classification (germline): Pathogenic (1 of 4 stars; one submission).

Conditions:
Glycogen storage disease due to muscle and heart glycogen synthase deficiency. Also called: GSD 0b; MUSCLE GLYCOGEN SYNTHASE DEFICIENCY. Identifiers: Orphanet 137625, MedGen C1969054, MONDO:0012693, OMIM 611556.

gnomAD v4.1: 5 of 1,613,662 alleles (0.00031%); highest among the groups gnomAD compares: Non-Finnish European, 0.00042%; no homozygotes.

Submission:

Labcorp Genetics (formerly Invitae), Labcorp
Classification: Pathogenic for Glycogen storage disease due to muscle and heart glycogen synthase deficiency. Last evaluated: 2025-09-29. Review status: criteria provided, single submitter. Criteria: Invitae Variant Classification Sherloc (09022015). Collection method: clinical testing. Allele origin: germline.
Comment: This sequence change creates a premature translational stop signal (p.Trp598*) in the GYS1 gene. It is expected to result in an absent or disrupted protein product. Loss-of-function variants in GYS1 are known to be pathogenic (PMID: 17928598, 19699667). This variant is not present in population databases (gnomAD no frequency). This variant has not been reported in the literature in individuals affected with GYS1-related conditions. For these reasons, this variant has been classified as Pathogenic.

Literature cited by the submitters: PubMed 17928598; PubMed 19699667.